The following is an entry in ClinVar:

ClinVar aggregate classification (germline): Likely benign. Review status: criteria provided, multiple submitters, no conflicts (2 of 4 stars). 2 submissions from 2 submitters: Likely benign (2). Last evaluated 2018-01-12.

Conditions:
Chudley-McCullough syndrome (CMCS). Also called: DEAFNESS, SENSORINEURAL, WITH PARTIAL AGENESIS OF THE CORPUS CALLOSUM AND ARACHNOID CYSTS; Deafness, autosomal recessive 82. Identifiers: Orphanet 314597, MedGen C1858695, MONDO:0011411, OMIM 604213.

Allele frequency attached by ClinVar (database versions not stated): gnomAD 0.03559 and 0.03780; TOPMed 0.03886; 1000 Genomes Project 30x 0.03966; 1000 Genomes Project 0.04213; gnomAD exomes 0.04741.
gnomAD v4.1: 7,424 of 187,358 alleles (4%); highest among the groups gnomAD compares: Middle Eastern, 8.5%; 204 homozygotes.

Submissions (2):

Illumina Laboratory Services, Illumina
Classification: Likely benign for Chudley-McCullough syndrome. Last evaluated: 2018-01-12. Review status: criteria provided, single submitter. Criteria: ICSL Variant Classification Criteria 13 December 2019. Collection method: clinical testing. Allele origin: germline.
Comment: This variant was observed in the ICSL laboratory as part of a predisposition screen in an ostensibly healthy population. It had not been previously curated by ICSL or reported in the Human Gene Mutation Database (HGMD: prior to June 1st, 2018), and was therefore a candidate for classification through an automated scoring system. Utilizing variant allele frequency, disease prevalence and penetrance estimates, and inheritance mode, an automated score was calculated to assess if this variant is too frequent to cause the disease. Based on the score and internal cut-off values, a variant classified as likely benign is not then subjected to further curation. The score for this variant resulted in a classification of likely benign for this disease.

Breakthrough Genomics
Classification: Likely benign. Review status: criteria provided, single submitter. Criteria: ACMG Guidelines, 2015. Collection method: not provided. Allele origin: germline. Inheritance: Autosomal recessive inheritance. Affected: yes.

NM_013296.5(GPSM2):c.*359T>G

Genes: CLCC1 (chloride channel CLIC like 1; minus strand), GPSM2 (G protein signaling modulator 2; plus strand). Cytogenetic location: 1p13.3.
Variant type: single nucleotide variant.
Coding change: c.*359T>G on transcript NM_013296.5 (MANE Select); 359 bases downstream of the stop codon, T replaced by G.
Molecular consequence: 3 prime UTR variant. On other transcripts: non-coding transcript variant (1), intron variant (1).
Genome position (GRCh38, 1-based): chr1:108,930,299, T>G. VCF-style: chr1-108930299-T-G. GRCh37 (hg19) VCF-style: chr1-109472921-T-G.
Other names: c.*2248A>C (NM_001048210.3, NM_001278202.2, NM_001278203.1 and 10 more transcripts); c.*2253A>C (NM_001377459.1, NM_001377460.1, NM_001377462.1 and 1 more transcripts); c.*359T>G (NM_001321038.2); c.*35+324T>G (NM_001321039.3).
Identifiers: ClinVar variation 875592 (VCV000875592.5), dbSNP rs14209, ClinGen allele CA15095847.